The following is an entry in ClinVar:

NM_001868.4(CPA1):c.382A>G (p.Ile128Val)

Gene: CPA1 (carboxypeptidase A1; plus strand). Cytogenetic location: 7q32.2.
Variant type: single nucleotide variant.
Coding change: c.382A>G on transcript NM_001868.4 (MANE Select); coding-DNA position 382, A replaced by G.
Protein change: p.Ile128Val; replaces isoleucine 128 with valine.
Molecular consequence: missense variant.
Genome position (GRCh38, 1-based): chr7:130,382,108, A>G. VCF-style: chr7-130382108-A-G. GRCh37 (hg19) VCF-style: chr7-130021949-A-G.
Other names: short protein forms I128V.
Identifiers: ClinVar variation 2448267 (VCV002448267.5), dbSNP rs2536006164, ClinGen allele CA369280641.

ClinVar aggregate classification (germline): Uncertain significance. Review status: criteria provided, multiple submitters, no conflicts (2 of 4 stars). 2 submissions from 2 submitters: Uncertain significance (2). Last evaluated 2023-08-08.

Conditions:
Hereditary pancreatitis (PCTT). Also called: Hereditary chronic pancreatitis; PRSS1-Related Hereditary Pancreatitis. Identifiers: Orphanet 676, MedGen C0238339, MONDO:0008185, OMIM 167800.

Submissions (2):

Labcorp Genetics (formerly Invitae), Labcorp
Classification: Uncertain significance. Last evaluated: 2023-08-08. Review status: criteria provided, single submitter. Criteria: Invitae Variant Classification Sherloc (09022015). Collection method: clinical testing. Allele origin: germline.
Comment: This variant is not present in population databases (gnomAD no frequency). This sequence change replaces isoleucine, which is neutral and non-polar, with valine, which is neutral and non-polar, at codon 128 of the CPA1 protein (p.Ile128Val). This variant has not been reported in the literature in individuals affected with CPA1-related conditions. ClinVar contains an entry for this variant (Variation ID: 2448267). An algorithm developed to predict the effect of missense changes on protein structure and function (PolyPhen-2) suggests that this variant is likely to be disruptive. In summary, the available evidence is currently insufficient to determine the role of this variant in disease. Therefore, it has been classified as a Variant of Uncertain Significance.

Ambry Genetics
Classification: Uncertain significance for Hereditary pancreatitis. Last evaluated: 2023-01-02. Review status: criteria provided, single submitter. Criteria: Ambry Variant Classification Scheme 2023. Collection method: clinical testing. Allele origin: germline.
Comment: The p.I128V variant (also known as c.382A>G) is located in coding exon 4 of the CPA1 gene. The isoleucine at codon 128 is replaced by valine, an amino acid with highly similar properties. This change occurs in the first base pair of coding exon 4. This amino acid position is conserved. In addition, this alteration is predicted to be tolerated by in silico analysis. Since supporting evidence is limited at this time, the clinical significance of this alteration remains unclear.